The following is an entry in ClinVar:

ClinVar aggregate classification (germline): Uncertain significance. Review status: criteria provided, multiple submitters, no conflicts (2 of 4 stars). 4 submissions from 4 submitters: Uncertain significance (4). Last evaluated 2025-05-16.

Conditions:
Inborn genetic diseases. Identifiers: MedGen C0950123, MeSH D030342.
Mucopolysaccharidosis, MPS-IV-B (MPS4B). Also called: Mucopolysaccharidosis type IV B; Mucopolysaccharidosis Type IVB; Mucopolysaccharidosis type 4B; Mucopolysaccharidosis Type IVB (Morquio B Disease); Mucopolysaccharidosis type IVB (Morquio); MPS IVB. Identifiers: Orphanet 309310, Orphanet 582, MedGen C0086652, MONDO:0009660, OMIM 253010.
GM1 gangliosidosis. Identifiers: Orphanet 354, MedGen C0085131, MONDO:0018149.

Allele frequency attached by ClinVar (database versions not stated): gnomAD exomes 0.00001; TOPMed 0.00002; gnomAD 0.00003.
gnomAD v4.1: 17 of 1,613,996 alleles (0.0011%); highest among the groups gnomAD compares: Middle Eastern, 0.033%; no homozygotes.

Submissions (4):

Ambry Genetics
Classification: Uncertain significance for Inborn genetic diseases. Last evaluated: 2025-05-16. Review status: criteria provided, single submitter. Criteria: Ambry Variant Classification Scheme 2023. Collection method: clinical testing. Allele origin: germline.

Labcorp Genetics (formerly Invitae), Labcorp
Classification: Uncertain significance for Mucopolysaccharidosis, MPS-IV-B; GM1 gangliosidosis. Last evaluated: 2024-01-29. Review status: criteria provided, single submitter. Criteria: Invitae Variant Classification Sherloc (09022015). Collection method: clinical testing. Allele origin: germline.
Comment: This sequence change replaces valine, which is neutral and non-polar, with methionine, which is neutral and non-polar, at codon 639 of the GLB1 protein (p.Val639Met). This variant is present in population databases (no rsID available, gnomAD 0.02%). This variant has not been reported in the literature in individuals affected with GLB1-related conditions. ClinVar contains an entry for this variant (Variation ID: 1309040). Advanced modeling of protein sequence and biophysical properties (such as structural, functional, and spatial information, amino acid conservation, physicochemical variation, residue mobility, and thermodynamic stability) performed at Invitae indicates that this missense variant is expected to disrupt GLB1 protein function with a positive predictive value of 80%. In summary, the available evidence is currently insufficient to determine the role of this variant in disease. Therefore, it has been classified as a Variant of Uncertain Significance.

Blueprint Genetics
Classification: Uncertain significance. Last evaluated: 2021-03-31. Review status: criteria provided, single submitter. Criteria: ACMG Guidelines, 2015. Collection method: clinical testing. Allele origin: germline.

GeneDx
Classification: Uncertain significance. Last evaluated: 2019-10-14. Review status: criteria provided, single submitter. Criteria: GeneDx Variant Classification Process June 2021. Collection method: clinical testing. Allele origin: germline. Affected: yes.
Comment: Not observed at a significant frequency in large population cohorts (Lek et al., 2016); The majority of missense variants in this gene are considered pathogenic (Stenson et al., 2014); In silico analysis, which includes protein predictors and evolutionary conservation, supports that this variant does not alter protein structure/function; Has not been previously published as pathogenic or benign to our knowledge

NM_000404.4(GLB1):c.1915G>A (p.Val639Met)

Gene: GLB1 (galactosidase beta 1; minus strand). Cytogenetic location: 3p22.3.
Variant type: single nucleotide variant.
Coding change: c.1915G>A on transcript NM_000404.4 (MANE Select); coding-DNA position 1915, G replaced by A.
Protein change: p.Val639Met; replaces valine 639 with methionine.
Molecular consequence: missense variant. On other transcripts: intron variant (1).
Genome position (GRCh38, 1-based): chr3:32,997,164, C>T on the plus strand (G>A on the coding strand, the complement: GLB1 is on the minus strand). VCF-style: chr3-32997164-C-T. GRCh37 (hg19) VCF-style: chr3-33038656-C-T.
Other names: c.1825G>A, p.Val609Met (NM_001079811.3); c.1522G>A, p.Val508Met (NM_001135602.3); c.2059G>A, p.Val687Met (NM_001317040.2); c.1734+16892G>A (NM_001393580.1); short protein forms V508M, V609M, V639M, V687M.
Identifiers: ClinVar variation 1309040 (VCV001309040.11), dbSNP rs1222326938, ClinGen allele CA352000278.